The following is an entry in ClinVar:

ClinVar aggregate classification (germline): Likely benign. Review status: criteria provided, multiple submitters, no conflicts (2 of 4 stars). 4 submissions from 4 submitters: Likely benign (4). Last evaluated 2026-01-14.

Allele frequency attached by ClinVar (database versions not stated): 1000 Genomes Project 30x 0.00031; 1000 Genomes Project 0.00040; TOPMed 0.00058; gnomAD 0.00073 and 0.00078; gnomAD exomes 0.00105; ESP Exome Variant Server 0.00123; ExAC 0.00126.
gnomAD v4.1: 1,641 of 1,613,088 alleles (0.1%); highest among the groups gnomAD compares: Non-Finnish European, 0.12%; 3 homozygotes.

Submissions (4):

Labcorp Genetics (formerly Invitae), Labcorp
Classification: Likely benign. Last evaluated: 2026-01-14. Review status: criteria provided, single submitter. Criteria: Invitae Variant Classification Sherloc (09022015). Collection method: clinical testing. Allele origin: germline.

Blueprint Genetics
Classification: Likely benign. Last evaluated: 2024-11-06. Review status: criteria provided, single submitter. Criteria: ACMG Guidelines, 2015. Collection method: clinical testing. Allele origin: germline.

GeneDx
Classification: Likely benign. Last evaluated: 2020-12-14. Review status: criteria provided, single submitter. Criteria: GeneDx Variant Classification Process June 2021. Collection method: clinical testing. Allele origin: germline. Affected: yes.
Comment: This variant is associated with the following publications: (PMID: 23408450)

Laboratory for Molecular Medicine, Mass General Brigham Personalized Medicine
Classification: Likely benign. Last evaluated: 2017-01-31. Review status: criteria provided, single submitter. Criteria: LMM Criteria. Collection method: clinical testing. Allele origin: germline. Observed: 3 variant alleles.
Comment: p.Pro372Ala in exon 5 of CHRM2: This variant is not expected to have clinical si gnificance because it has been identified in 0.4% (28/6608) of Finnish chromosom es and 0.2% (118/66644) of European chromosomes by the Exome Aggregation Consort ium (ExAC; dbSNP rs138806839).

Literature cited by the submitters: PubMed 23408450 (cited by Laboratory for Molecular Medicine, Mass General Brigham Personalized Medicine).

NM_001006630.2(CHRM2):c.1114C>G (p.Pro372Ala)

Genes: CHRM2 (cholinergic receptor muscarinic 2; plus strand), LOC349160 (uncharacterized LOC349160; minus strand). Cytogenetic location: 7q33.
Variant type: single nucleotide variant.
Coding change: c.1114C>G on transcript NM_001006630.2 (MANE Select); coding-DNA position 1114, C replaced by G.
Protein change: p.Pro372Ala; replaces proline 372 with alanine.
Molecular consequence: missense variant.
Genome position (GRCh38, 1-based): chr7:137,015,979, C>G. VCF-style: chr7-137015979-C-G. GRCh37 (hg19) VCF-style: chr7-136700726-C-G.
Other names: c.1114C>G, p.Pro372Ala (NM_000739.3, NM_001006626.3, NM_001006627.3 and 6 more transcripts); short protein forms P372A.
Identifiers: ClinVar variation 227247 (VCV000227247.18), dbSNP rs138806839, ClinGen allele CA4500620.
Genomic context (GRCh38, chr7:137,015,979, plus strand): 5'-CAGAATGGAGATGAAAAGCAGAATATTGTAGCCCGCAAGATTGTGAAGATGACTAAGCAG[C>G]CTGCAAAAAAGAAGCCTCCTCCTTCCCGGGAAAAGAAAGTCACCAGGACAATCTTGGCTA-3'
Protein context (NP_001006631.1, residues 362-382): ARKIVKMTKQ[Pro372Ala]AKKKPPPSRE